The following is an entry in ClinVar:

NM_001204.7(BMPR2):c.1328A>G (p.His443Arg)

Gene: BMPR2 (bone morphogenetic protein receptor type 2; plus strand). Cytogenetic location: 2q33.2.
Variant type: single nucleotide variant.
Coding change: c.1328A>G on transcript NM_001204.7 (MANE Select); coding-DNA position 1328, A replaced by G.
Protein change: p.His443Arg; replaces histidine 443 with arginine.
Molecular consequence: missense variant.
Genome position (GRCh38, 1-based): chr2:202,542,362, A>G. VCF-style: chr2-202542362-A-G. GRCh37 (hg19) VCF-style: chr2-203407085-A-G.
Other names: short protein forms H443R.
Identifiers: ClinVar variation 3824824 (VCV003824824.1).

ClinVar aggregate classification (germline): Uncertain significance (1 of 4 stars; one submission).

Conditions:
Inborn genetic diseases. Identifiers: MedGen C0950123, MeSH D030342.

gnomAD v4.1: 1 of 1,614,148 alleles (0.000062%); highest among the groups gnomAD compares: Non-Finnish European, 0.000085%; no homozygotes.

Submission:

Ambry Genetics
Classification: Uncertain significance for Inborn genetic diseases. Last evaluated: 2025-01-08. Review status: criteria provided, single submitter. Criteria: Ambry Variant Classification Scheme 2023. Collection method: clinical testing. Allele origin: germline.
Comment: The p.H443R variant (also known as c.1328A>G), located in coding exon 10 of the BMPR2 gene, results from an A to G substitution at nucleotide position 1328. The histidine at codon 443 is replaced by arginine, an amino acid with highly similar properties. This amino acid position is conserved. In addition, the in silico prediction for this alteration is inconclusive. Based on the available evidence, the clinical significance of this variant remains unclear.